The following is an entry in ClinVar:

ClinVar aggregate classification (germline): Pathogenic (1 of 4 stars; one submission).

Conditions:
Familial adenomatous polyposis 1 (FAP1). Also called: POLYPOSIS, ADENOMATOUS INTESTINAL; FAMILIAL ADENOMATOUS POLYPOSIS 1, ATTENUATED. Identifiers: MedGen C2713442, MONDO:0021056, OMIM 175100. Disease mechanism: loss of function.

Submission:

Myriad Genetics, Inc.
Classification: Pathogenic for Familial adenomatous polyposis 1. Last evaluated: 2023-05-03. Review status: criteria provided, single submitter. Criteria: Myriad Autosomal Dominant, Autosomal Recessive and X-Linked Classification Criteria (2023). Collection method: clinical testing. Allele origin: unknown.
Comment: This variant is considered pathogenic. This variant creates a termination codon and is predicted to result in premature protein truncation.

NM_000038.6(APC):c.1994_2006del (p.Thr664_Leu665insTer)

Gene: APC (APC regulator of Wnt signaling pathway; plus strand). Cytogenetic location: 5q22.2.
Variant type: Deletion.
Coding change: c.1994_2006del on transcript NM_000038.6 (MANE Select); coding-DNA positions 1994 to 2006, 13 bases deleted (TATTACAACACTT).
Protein change: p.Thr664_Leu665insTer.
Molecular consequence: nonsense. On other transcripts: non-coding transcript variant (2).
Genome position (GRCh38, 1-based): chr5:112,837,588-112,837,600, TATTACAACACTT deleted; deleting any 13 consecutive bases within chr5:112,837,584-112,837,600 gives the same sequence; the c. name uses the placement nearest the transcript's 3' end. VCF-style (leftmost placement, unchanged base first): chr5-112837583-AACTTTATTACAAC-A. GRCh37 (hg19) VCF-style: chr5-112173280-AACTTTATTACAAC-A.
Other names: c.1994_2006del, p.Thr664_Leu665insTer (NM_001127510.3, NM_001354895.2, NM_001407450.1); c.1940_1952del, p.Thr646_Leu647insTer (NM_001127511.3); c.2048_2060del, p.Thr682_Leu683insTer (NM_001354896.2, NM_001407447.1, NM_001407448.1 and 1 more transcripts); c.2024_2036del, p.Thr674_Leu675insTer (NM_001354897.2); c.1919_1931del, p.Thr639_Leu640insTer (NM_001354898.2); c.1910_1922del, p.Thr636_Leu637insTer (NM_001354899.2); c.1871_1883del, p.Thr623_Leu624insTer (NM_001354900.2); c.1817_1829del, p.Thr605_Leu606insTer (NM_001354901.2, NM_001407453.1); and 11 more.
Identifiers: ClinVar variation 2583508 (VCV002583508.1), dbSNP rs2533389669, ClinGen allele CA2582341413.